The following is an entry in ClinVar:

ClinVar aggregate classification (germline): Uncertain significance. Review status: criteria provided, multiple submitters, no conflicts (2 of 4 stars). 5 submissions from 5 submitters: Uncertain significance (5). Last evaluated 2026-02-04.

Conditions:
Inborn genetic diseases. Identifiers: MedGen C0950123, MeSH D030342.
TJP2-related disorder. Also called: TJP2-related condition.

Allele frequency attached by ClinVar (database versions not stated): gnomAD exomes 0.00001 and 0.00002; ExAC 0.00002; gnomAD 0.00002; TOPMed 0.00002.

Submissions (5):

PreventionGenetics, part of Exact Sciences
Classification: Uncertain significance for TJP2-related condition. Last evaluated: 2026-02-04. Review status: criteria provided, single submitter. Criteria: ACMG Guidelines, 2015. Collection method: clinical testing. Allele origin: germline.
Comment: The TJP2 c.631C>T variant is predicted to result in the amino acid substitution p.Arg211Cys. To our knowledge, this variant has not been reported in the literature. This variant is reported in 0.0056% of alleles in individuals of East Asian descent in gnomAD. At this time, the clinical significance of this variant is uncertain due to the absence of conclusive functional and genetic evidence.

Ambry Genetics
Classification: Uncertain significance for Inborn genetic diseases. Last evaluated: 2025-07-02. Review status: criteria provided, single submitter. Criteria: Ambry Variant Classification Scheme 2023. Collection method: clinical testing. Allele origin: germline.

Blueprint Genetics
Classification: Uncertain significance. Last evaluated: 2023-05-16. Review status: criteria provided, single submitter. Criteria: ACMG Guidelines, 2015. Collection method: clinical testing. Allele origin: germline.

GeneDx
Classification: Uncertain significance. Last evaluated: 2021-04-13. Review status: criteria provided, single submitter. Criteria: GeneDx Variant Classification Process June 2021. Collection method: clinical testing. Allele origin: germline. Affected: yes.
Comment: In silico analysis supports that this missense variant does not alter protein structure/function; Has not been previously published as pathogenic or benign to our knowledge

Eurofins Ntd Llc (ga)
Classification: Uncertain significance. Last evaluated: 2017-11-22. Review status: criteria provided, single submitter. Criteria: EGL Classification Definitions 2015. Collection method: clinical testing. Allele origin: germline. Observed: 1 variant allele, 1 heterozygote.

NM_004817.4(TJP2):c.631C>T (p.Arg211Cys)

Gene: TJP2 (tight junction protein 2; plus strand). Cytogenetic location: 9q21.11.
Variant type: single nucleotide variant.
Coding change: c.631C>T on transcript NM_004817.4 (MANE Select); coding-DNA position 631, C replaced by T.
Protein change: p.Arg211Cys; replaces arginine 211 with cysteine.
Molecular consequence: missense variant.
Genome position (GRCh38, 1-based): chr9:69,221,175, C>T. VCF-style: chr9-69221175-C-T. GRCh37 (hg19) VCF-style: chr9-71836091-C-T.
Other names: c.562C>T, p.Arg188Cys (NM_001170414.2, NM_001369870.1, NM_001369871.1); c.643C>T, p.Arg215Cys (NM_001170415.1, NM_001369874.1, NM_001369875.1); c.724C>T, p.Arg242Cys (NM_001170416.2); c.631C>T, p.Arg211Cys (NM_001369872.1, NM_001369873.1, NM_201629.3 and 1 more transcripts); short protein forms R211C, R242C, R188C, R215C.
Identifiers: ClinVar variation 595132 (VCV000595132.10), dbSNP rs771622774, ClinGen allele CA5073054.